The following is an entry in ClinVar:

NM_198880.3(QRICH1):c.623G>A (p.Gly208Asp)

Gene: QRICH1 (glutamine rich 1; minus strand). Cytogenetic location: 3p21.31.
Variant type: single nucleotide variant.
Coding change: c.623G>A on transcript NM_198880.3 (MANE Select); coding-DNA position 623, G replaced by A.
Protein change: p.Gly208Asp; replaces glycine 208 with aspartic acid.
Molecular consequence: missense variant.
Genome position (GRCh38, 1-based): chr3:49,057,577, C>T on the plus strand (G>A on the coding strand, the complement: QRICH1 is on the minus strand). VCF-style: chr3-49057577-C-T. GRCh37 (hg19) VCF-style: chr3-49095010-C-T.
Other names: c.623G>A, p.Gly208Asp (NM_001320580.2, NM_001320581.2, NM_001320582.2 and 4 more transcripts); short protein forms G208D.
Identifiers: ClinVar variation 2581974 (VCV002581974.1), dbSNP rs1263364974, ClinGen allele CA352673512.

ClinVar aggregate classification (germline): Uncertain significance (1 of 4 stars; one submission).

Allele frequency attached by ClinVar (database versions not stated): gnomAD exomes below 0.00001.
gnomAD v4.1: 1 of 1,613,518 alleles (0.000062%); highest among the groups gnomAD compares: East Asian, 0.0022%; no homozygotes.

Submission:

GeneDx
Classification: Uncertain significance. Last evaluated: 2023-04-01. Review status: criteria provided, single submitter. Criteria: GeneDx Variant Classification Process June 2021. Collection method: clinical testing. Allele origin: germline. Affected: yes.
Comment: Not observed at significant frequency in large population cohorts (gnomAD); In silico analysis supports that this missense variant does not alter protein structure/function; Has not been previously published as pathogenic or benign to our knowledge